The following is an entry in ClinVar:

ClinVar aggregate classification (germline): Uncertain significance. Review status: criteria provided, multiple submitters, no conflicts (2 of 4 stars). 2 submissions from 2 submitters: Uncertain significance (2). Last evaluated 2021-11-17.

Conditions:
Autosomal recessive early-onset Parkinson disease 6 (PARK6). Also called: PINK1-Related Parkinson Disease; PARKINSON DISEASE 6, EARLY-ONSET; PINK1 Type of Young-Onset Parkinson Disease; PARKINSON DISEASE 6, MODIFIER OF. Identifiers: Orphanet 2828, MedGen C1853833, MONDO:0011613, OMIM 605909.

Allele frequency attached by ClinVar (database versions not stated): ExAC 0.00002; gnomAD exomes 0.00004; gnomAD 0.00008 and 0.00009; TOPMed 0.00008; 1000 Genomes Project 30x 0.00016; 1000 Genomes Project 0.00020.
gnomAD v4.1: 94 of 1,614,186 alleles (0.0058%); highest among the groups gnomAD compares: Non-Finnish European, 0.0071%; no homozygotes.

Submissions (2):

Fulgent Genetics
Classification: Uncertain significance for Autosomal recessive early-onset Parkinson disease 6. Last evaluated: 2021-11-17. Review status: criteria provided, single submitter. Criteria: ACMG Guidelines, 2015. Collection method: clinical testing. Allele origin: unknown.

GeneDx
Classification: Uncertain significance. Last evaluated: 2019-10-29. Review status: criteria provided, single submitter. Criteria: GeneDx Variant Classification Process June 2021. Collection method: clinical testing. Allele origin: germline. Affected: yes.
Comment: Not observed at a significant frequency in large population cohorts (Lek et al., 2016); In silico analysis, which includes protein predictors and evolutionary conservation, supports that this variant does not alter protein structure/function; Identified in heterozygous state by PINK1 sequencing, in a patient with Parkinson's disease in the published literature (Abou-Sleiman, et al., 2006); This variant is associated with the following publications: (PMID: 22644621, 18307263, 18330912, 20049715, 16969854)

NM_032409.3(PINK1):c.949G>A (p.Val317Ile)

Genes: PINK1 (PTEN induced kinase 1; plus strand), PINK1-AS (PINK1 antisense RNA; minus strand). Cytogenetic location: 1p36.12.
Variant type: single nucleotide variant.
Coding change: c.949G>A on transcript NM_032409.3 (MANE Select); coding-DNA position 949, G replaced by A.
Protein change: p.Val317Ile; replaces valine 317 with isoleucine.
Molecular consequence: missense variant.
Genome position (GRCh38, 1-based): chr1:20,644,662, G>A. VCF-style: chr1-20644662-G-A. GRCh37 (hg19) VCF-style: chr1-20971155-G-A.
Other names: short protein forms V317I.
Identifiers: ClinVar variation 1303069 (VCV001303069.3), dbSNP rs200949139, ClinGen allele CA660586.